The following is an entry in ClinVar:

NM_203447.4(DOCK8):c.53+1G>A

Genes: DOCK8 (dedicator of cytokinesis 8; plus strand), DOCK8-AS1 (DOCK8 antisense RNA 1; minus strand). Cytogenetic location: 9p24.3.
Variant type: single nucleotide variant.
Coding change: c.53+1G>A on transcript NM_203447.4 (MANE Select); the canonical splice donor site of the intron after coding-DNA position 53, G replaced by A.
Molecular consequence: splice donor variant. On other transcripts: non-coding transcript variant (1).
Genome position (GRCh38, 1-based): chr9:215,030, G>A. VCF-style: chr9-215030-G-A. GRCh37 (hg19) VCF-style: chr9-215030-G-A.
Identifiers: ClinVar variation 1502020 (VCV001502020.6), dbSNP rs2046707580, ClinGen allele CA372755875.

ClinVar aggregate classification (germline): Likely pathogenic (1 of 4 stars; one submission).

Conditions:
Combined immunodeficiency due to DOCK8 deficiency (HIES2). Also called: HIES autosomal recessive; DOCK8 Deficiency; Hyper-IgE recurrent infection syndrome, autosomal recessive; HYPER-IgE RECURRENT INFECTION SYNDROME 2, AUTOSOMAL RECESSIVE; HYPER-IgE SYNDROME 2, AUTOSOMAL RECESSIVE, WITH RECURRENT INFECTIONS. Identifiers: Orphanet 217390, MedGen C4722305, MONDO:0009478, OMIM 243700.

Submission:

Labcorp Genetics (formerly Invitae), Labcorp
Classification: Likely pathogenic for Combined immunodeficiency due to DOCK8 deficiency. Last evaluated: 2021-10-14. Review status: criteria provided, single submitter. Criteria: Invitae Variant Classification Sherloc (09022015). Collection method: clinical testing. Allele origin: germline.
Comment: In summary, the currently available evidence indicates that the variant is pathogenic, but additional data are needed to prove that conclusively. Therefore, this variant has been classified as Likely Pathogenic. This sequence change affects a donor splice site in intron 1 of the DOCK8 gene. It is expected to disrupt RNA splicing. Variants that disrupt the donor or acceptor splice site typically lead to a loss of protein function (PMID: 16199547), and loss-of-function variants in DOCK8 are known to be pathogenic (PMID: 14722525, 19776401). This variant is not present in population databases (ExAC no frequency). This variant has not been reported in the literature in individuals affected with DOCK8-related conditions. Algorithms developed to predict the effect of sequence changes on RNA splicing suggest that this variant may disrupt the consensus splice site.

Literature cited by the submitters: PubMed 16199547; PubMed 14722525; PubMed 19776401.